The following is an entry in ClinVar:

ClinVar aggregate classification (germline): Likely benign (1 of 4 stars; one submission).

Allele frequency attached by ClinVar (database versions not stated): gnomAD exomes below 0.00001.
gnomAD v4.1: 2 of 1,611,320 alleles (0.00012%); highest among the groups gnomAD compares: Admixed American, 0.0033%; no homozygotes.

Submission:

GeneDx
Classification: Likely benign. Last evaluated: 2017-11-13. Review status: criteria provided, single submitter. Criteria: GeneDx Variant Classification (06012015). Collection method: clinical testing. Allele origin: germline. Affected: yes.
Comment: This variant is considered likely benign or benign based on one or more of the following criteria: it is a conservative change, it occurs at a poorly conserved position in the protein, it is predicted to be benign by multiple in silico algorithms, and/or has population frequency not consistent with disease.

NM_001267550.2(TTN):c.65697A>G (p.Lys21899=)

Genes: TTN (titin; minus strand), TTN-AS1 (TTN antisense RNA 1; plus strand). Cytogenetic location: 2q31.2.
Variant type: single nucleotide variant.
Coding change: c.65697A>G on transcript NM_001267550.2 (MANE Select); coding-DNA position 65697, A replaced by G.
Protein change: p.Lys21899=; no amino-acid change (lysine 21899 retained).
Molecular consequence: synonymous variant. On other transcripts: non-coding transcript variant (1).
Genome position (GRCh38, 1-based): chr2:178,583,106, T>C on the plus strand (A>G on the coding strand, the complement: TTN is on the minus strand). VCF-style: chr2-178583106-T-C. GRCh37 (hg19) VCF-style: chr2-179447833-T-C.
Other names: c.60774A>G, p.Lys20258= (NM_001256850.1); c.38502A>G, p.Lys12834= (NM_003319.4); c.57993A>G, p.Lys19331= (NM_133378.4); c.38877A>G, p.Lys12959= (NM_133432.3); c.39078A>G, p.Lys13026= (NM_133437.4).
Identifiers: ClinVar variation 513447 (VCV000513447.1), dbSNP rs879177323, ClinGen allele CA430262850.